The following is an entry in ClinVar:

NC_000023.11:g.(?_31932060)_(31932247_?)del

Gene: DMD (dystrophin; minus strand). Cytogenetic location: Xp21.1.
Variant type: Deletion.
Identifiers: ClinVar variation 526168 (VCV000526168.1).

ClinVar aggregate classification (germline): Pathogenic (1 of 4 stars; one submission).

Conditions:
Duchenne muscular dystrophy (DMD). Also called: Duchenne Muscular Dystrophy (DMD); MUSCULAR DYSTROPHY, PSEUDOHYPERTROPHIC PROGRESSIVE, DUCHENNE TYPE. Identifiers: Orphanet 98896, MedGen C0013264, MONDO:0010679, OMIM 310200.

Submission:

Labcorp Genetics (formerly Invitae), Labcorp
Classification: Pathogenic for Duchenne muscular dystrophy. Last evaluated: 2017-10-09. Review status: criteria provided, single submitter. Criteria: Invitae Variant Classification Sherloc (09022015). Collection method: clinical testing. Allele origin: germline.
Comment: This variant is an out-of-frame deletion of the genomic region encompassing exon 46 of the DMD gene. This is expected to create a premature translational stop signal and result in an absent or disrupted protein product. A similar variant resulting in the deletion of exon 46 has been reported in an individual with Duchenne muscular dystrophy (DMD) (PMID: 15723292). Loss-of-function variants in DMD are known to be pathogenic (PMID: 16770791, 25007885). For these reasons, this variant has been classified as Pathogenic.

Literature cited by the submitters: PubMed 15723292.